The following is an entry in ClinVar:

NM_032409.3(PINK1):c.1256C>T (p.Ser419Phe)

Genes: PINK1 (PTEN induced kinase 1; plus strand), PINK1-AS (PINK1 antisense RNA; minus strand). Cytogenetic location: 1p36.12.
Variant type: single nucleotide variant.
Coding change: c.1256C>T on transcript NM_032409.3 (MANE Select); coding-DNA position 1256, C replaced by T.
Protein change: p.Ser419Phe; replaces serine 419 with phenylalanine.
Molecular consequence: missense variant. On other transcripts: non-coding transcript variant (1).
Genome position (GRCh38, 1-based): chr1:20,648,999, C>T. VCF-style: chr1-20648999-C-T. GRCh37 (hg19) VCF-style: chr1-20975492-C-T.
Other names: short protein forms S419F.
Identifiers: ClinVar variation 4682162 (VCV004682162.1).

ClinVar aggregate classification (germline): Uncertain significance (1 of 4 stars; one submission).

gnomAD v4.1: 20 of 1,612,894 alleles (0.0012%); highest among the groups gnomAD compares: Non-Finnish European, 0.0017%; no homozygotes.

Submission:

Athena Diagnostics
Classification: Uncertain significance. Last evaluated: 2025-01-21. Review status: criteria provided, single submitter. Criteria: Athena Diagnostics Criteria. Collection method: clinical testing. Allele origin: unknown.
Comment: Available data are insufficient to determine the clinical significance of the variant at this time. The frequency of this variant in the general population is uninformative in assessment of its pathogenicity. Polyphen and MutationTaster predict this amino acid change may be damaging to the protein. The variant is located in a region that is considered important for protein function and/or structure.